The following is an entry in ClinVar:

ClinVar aggregate classification (germline): Uncertain significance. Review status: criteria provided, multiple submitters, no conflicts (2 of 4 stars). 2 submissions from 2 submitters: Uncertain significance (2). Last evaluated 2026-05-27.

Conditions:
Inborn genetic diseases. Identifiers: MedGen C0950123, MeSH D030342.

gnomAD v4.1: 1 of 1,613,852 alleles (0.000062%); highest among the groups gnomAD compares: Admixed American, 0.0017%; no homozygotes.

Submissions (2):

Ambry Genetics
Classification: Uncertain significance for Inborn genetic diseases. Last evaluated: 2026-05-27. Review status: criteria provided, single submitter. Criteria: Ambry Variant Classification Scheme 2023. Collection method: clinical testing. Allele origin: germline.

GeneDx
Classification: Uncertain significance. Last evaluated: 2022-06-17. Review status: criteria provided, single submitter. Criteria: GeneDx Variant Classification Process June 2021. Collection method: clinical testing. Allele origin: germline. Affected: yes.
Comment: Not observed at significant frequency in large population cohorts (gnomAD); In silico analysis supports that this missense variant has a deleterious effect on protein structure/function; Has not been previously published as pathogenic or benign to our knowledge

NM_016628.5(WAC):c.1685A>T (p.His562Leu)

Gene: WAC (WW domain containing adaptor with coiled-coil; plus strand). Cytogenetic location: 10p12.1.
Variant type: single nucleotide variant.
Coding change: c.1685A>T on transcript NM_016628.5 (MANE Select); coding-DNA position 1685, A replaced by T.
Protein change: p.His562Leu; replaces histidine 562 with leucine.
Molecular consequence: missense variant.
Genome position (GRCh38, 1-based): chr10:28,616,301, A>T. VCF-style: chr10-28616301-A-T. GRCh37 (hg19) VCF-style: chr10-28905230-A-T.
Other names: c.1550A>T, p.His517Leu (NM_100264.3); c.1376A>T, p.His459Leu (NM_100486.4); short protein forms H459L, H517L, H562L.
Identifiers: ClinVar variation 1804468 (VCV001804468.2), dbSNP rs2492210932, ClinGen allele CA376405912.